The following is an entry in ClinVar:

NM_001243925.2(MAPKAPK3):c.1009A>T (p.Ser337Cys)

Gene: MAPKAPK3 (MAPK activated protein kinase 3; plus strand). Cytogenetic location: 3p21.2.
Variant type: single nucleotide variant.
Coding change: c.1009A>T on transcript NM_001243925.2 (MANE Select); coding-DNA position 1009, A replaced by T.
Protein change: p.Ser337Cys; replaces serine 337 with cysteine.
Molecular consequence: missense variant.
Genome position (GRCh38, 1-based): chr3:50,647,906, A>T. VCF-style: chr3-50647906-A-T. GRCh37 (hg19) VCF-style: chr3-50685337-A-T.
Other names: c.1009A>T, p.Ser337Cys (NM_001243926.2, NM_004635.5); short protein forms S337C.
Identifiers: ClinVar variation 4762001 (VCV004762001.1).

ClinVar aggregate classification (germline): Uncertain significance (1 of 4 stars; one submission).

Submission:

Labcorp Genetics (formerly Invitae), Labcorp
Classification: Uncertain significance. Last evaluated: 2025-08-18. Review status: criteria provided, single submitter. Criteria: Invitae Variant Classification Sherloc (09022015). Collection method: clinical testing. Allele origin: germline.
Comment: This sequence change replaces serine, which is neutral and polar, with cysteine, which is neutral and slightly polar, at codon 337 of the MAPKAPK3 protein (p.Ser337Cys). This variant is not present in population databases (gnomAD no frequency). This variant has not been reported in the literature in individuals affected with MAPKAPK3-related conditions. An algorithm developed to predict the effect of missense changes on protein structure and function (PolyPhen-2) suggests that this variant is likely to be disruptive. In summary, the available evidence is currently insufficient to determine the role of this variant in disease. Therefore, it has been classified as a Variant of Uncertain Significance.